The following is an entry in ClinVar:

NR_003051.3(RMRP):n.-24_-7dupACTACTCTGTGAAGCTGA

Gene: RMRP (RNA component of mitochondrial RNA processing endoribonuclease; minus strand). Cytogenetic location: 9p13.3.
Variant type: Duplication.
Genome position: GRCh38 VCF-style: chr9-35658024-C-CTCAGCTTCACAGAGTAGT. GRCh37 (hg19) VCF-style: chr9-35658021-C-CTCAGCTTCACAGAGTAGT.
Identifiers: ClinVar variation 1458333 (VCV001458333.6), dbSNP rs920074067, ClinGen allele CA587570209.

ClinVar aggregate classification (germline): Pathogenic/Likely pathogenic. Review status: criteria provided, multiple submitters, no conflicts (2 of 4 stars). 2 submissions from 2 submitters: Pathogenic (1); Likely pathogenic (1). Last evaluated 2025-04-18.

Conditions:
Anauxetic dysplasia. Identifiers: Orphanet 93347, MedGen C1846796, MONDO:0011773.
Metaphyseal chondrodysplasia, McKusick type (CHH). Also called: Cartilage-hair hypoplasia; Cartilage-Hair Hypoplasia (CHH). Identifiers: Orphanet 175, MedGen C0220748, MONDO:0009595, OMIM 250250.

Allele frequency attached by ClinVar (database versions not stated): gnomAD 0.00001; gnomAD exomes 0.00002; TOPMed below 0.00001.

Submissions (2):

Natera, Inc.
Classification: Likely pathogenic for Cartilage-hair hypoplasia. Last evaluated: 2025-04-18. Review status: criteria provided, single submitter. Criteria: Natera Variant Classification Schema (03/2026). Collection method: clinical testing. Allele origin: germline.
Comment: The n.-24_-7dupACTACTCTGTGAAGCTGA variant in RMRP is a duplication affecting the RMRP promoter region between the TATA box and the transcription initiation site. Other duplications and insertions just upstream of the transcription initiation site have been reported in individuals affected with cartilage-hair hypoplasia (PMID: 11207361, 17937437). This variant is rare in the general population with a frequency below the threshold expected for the associated phenotype(s). Given the available evidence, this variant is classified as Likely pathogenic.

Labcorp Genetics (formerly Invitae), Labcorp
Classification: Pathogenic for Anauxetic dysplasia. Last evaluated: 2023-12-12. Review status: criteria provided, single submitter. Criteria: Invitae Variant Classification Sherloc (09022015). Collection method: clinical testing. Allele origin: germline.
Comment: This variant occurs in the RMRP gene, which encodes an RNA molecule that does not result in a protein product. This variant is present in population databases (no rsID available, gnomAD 0.004%). While this particular variant has not been reported in the literature, it is located in the promoter region between the TATA box and the transcription initiation site, and other insertions and duplications immediately upstream of the coding sequence have been reported in individuals affected with cartilage-hair hypoplasia-anauxetic dysplasia (CHH-AD) spectrum disorders (PMID: 16244706, 11207361, 12107819). While functional studies for this variant have not been reported, experimental analyses using patient derived cells, as well as in vitro transfection studies, have shown that promoter insertions result in silencing of RMRP transcription and reduced expression of the gene product (PMID: 11207361, 16254002). For these reasons, this variant has been classified as Pathogenic.

Literature cited by the submitters: PubMed 11207361 (cited by Natera, Inc. and Labcorp Genetics (formerly Invitae), Labcorp); PubMed 17937437 (cited by Natera, Inc.); PubMed 16244706 (cited by Labcorp Genetics (formerly Invitae), Labcorp); PubMed 12107819 (cited by Labcorp Genetics (formerly Invitae), Labcorp); PubMed 16254002 (cited by Labcorp Genetics (formerly Invitae), Labcorp).